The following is an entry in ClinVar:

ClinVar aggregate classification (germline): Conflicting classifications of pathogenicity. Review status: criteria provided, conflicting classifications (1 of 4 stars). 4 submissions from 4 submitters: Uncertain significance (3); Likely benign (1). Last evaluated 2025-12-19.

Conditions:
Hereditary cancer-predisposing syndrome. Also called: Tumor predisposition; Hereditary Cancer Syndrome; Hereditary neoplastic syndrome; Neoplastic Syndromes, Hereditary. Identifiers: Orphanet 140162, MedGen C0027672, MeSH D009386, MONDO:0015356.
Peutz-Jeghers syndrome (PJS). Also called: POLYPOSIS, HAMARTOMATOUS INTESTINAL; POLYPS-AND-SPOTS SYNDROME; Peutz-Jeghers polyposis; Periorificial lentiginosis syndrome. Identifiers: Orphanet 2869, MedGen C0031269, MeSH D010580, MONDO:0008280, OMIM 175200.

Allele frequency attached by ClinVar (database versions not stated): gnomAD exomes below 0.00001.
gnomAD v4.1: 1 of 1,569,010 alleles (0.000064%); highest among the groups gnomAD compares: East Asian, 0.0024%; no homozygotes.

Submissions (4):

Labcorp Genetics (formerly Invitae), Labcorp
Classification: Uncertain significance for Peutz-Jeghers syndrome. Last evaluated: 2025-12-19. Review status: criteria provided, single submitter. Criteria: Invitae Variant Classification Sherloc (09022015). Collection method: clinical testing. Allele origin: germline.
Comment: This sequence change falls in intron 7 of the STK11 gene. It does not directly change the encoded amino acid sequence of the STK11 protein. It affects a nucleotide within the consensus splice site. This variant is not present in population databases (gnomAD no frequency). This variant has not been reported in the literature in individuals affected with STK11-related conditions. ClinVar contains an entry for this variant (Variation ID: 2774541). Variants that disrupt the consensus splice site are a relatively common cause of aberrant splicing (PMID: 17576681, 9536098). Algorithms developed to predict the effect of sequence changes on RNA splicing suggest that this variant is not likely to affect RNA splicing. In summary, the available evidence is currently insufficient to determine the role of this variant in disease. Therefore, it has been classified as a Variant of Uncertain Significance.

Ambry Genetics
Classification: Uncertain significance for Hereditary cancer-predisposing syndrome. Last evaluated: 2025-12-15. Review status: criteria provided, single submitter. Criteria: Ambry Variant Classification Scheme 2023. Collection method: clinical testing. Allele origin: germline.
Comment: The c.920+3G>A intronic variant results from a G to A substitution 3 nucleotides after coding exon 7 in the STK11 gene. This nucleotide position is well conserved in available vertebrate species. In silico splice site analysis predicts that this alteration will not have any significant effect on splicing. Based on the available evidence, the clinical significance of this variant remains unclear.

Myriad Genetics, Inc.
Classification: Likely benign for Peutz-Jeghers syndrome. Last evaluated: 2025-03-27. Review status: criteria provided, single submitter. Criteria: Myriad Autosomal Dominant, Autosomal Recessive and X-Linked Classification Criteria (2023). Collection method: clinical testing. Allele origin: unknown.
Comment: This variant is considered likely benign. This variant is intronic and is not expected to impact mRNA splicing.

Color Diagnostics, LLC DBA Color Health
Classification: Uncertain significance for Hereditary cancer-predisposing syndrome. Last evaluated: 2023-05-12. Review status: criteria provided, single submitter. Criteria: ACMG Guidelines, 2015. Collection method: clinical testing. Allele origin: germline.
Comment: This variant causes a G to A nucleotide substitution at the +3 position of intron 7 of the STK11 gene. To our knowledge, RNA studies have not been reported for this variant. This variant has not been reported in individuals affected with hereditary cancer in the literature. This variant has not been identified in the general population by the Genome Aggregation Database (gnomAD). The available evidence is insufficient to determine the role of this variant in disease conclusively. Therefore, this variant is classified as a Variant of Uncertain Significance.

Literature cited by the submitters: PubMed 17576681 (cited by Labcorp Genetics (formerly Invitae), Labcorp); PubMed 9536098 (cited by Labcorp Genetics (formerly Invitae), Labcorp).

NM_000455.5(STK11):c.920+3G>A

Gene: STK11 (serine/threonine kinase 11; plus strand). Cytogenetic location: 19p13.3.
Variant type: single nucleotide variant.
Coding change: c.920+3G>A on transcript NM_000455.5 (MANE Select); 3 bases into the intron after coding-DNA position 920, G replaced by A.
Molecular consequence: intron variant.
Genome position (GRCh38, 1-based): chr19:1,222,009, G>A. VCF-style: chr19-1222009-G-A. GRCh37 (hg19) VCF-style: chr19-1222008-G-A.
Other names: c.920+3G>A (NM_001407255.1, NM_000455.4).
Identifiers: ClinVar variation 2774541 (VCV002774541.5), dbSNP rs2080788122, ClinGen allele CA2582593825.
Genomic context (GRCh38, chr19:1,222,009, plus strand): 5'-GGATGCTTGAGTACGAACCGGCCAAGAGGTTCTCCATCCGGCAGATCCGGCAGCACAGGT[G>A]AGCGGCCCCTGGGGGCAGTGGGGCCGAGGCTGCAGGGAGGCCGGCCATGTGGGCAGCTGG-3'